The following is an entry in ClinVar:

ClinVar aggregate classification (germline): Uncertain significance (1 of 4 stars; one submission).

Conditions:
Immunodeficiency 132A. Also called: Herpes simplex encephalitis, susceptibility to, 3. Identifiers: Orphanet 1930, MedGen C3553868, MONDO:0013920, OMIM 614849.

Allele frequency attached by ClinVar (database versions not stated): gnomAD exomes 0.00001.
gnomAD v4.1: 3 of 1,613,980 alleles (0.00019%); highest among the groups gnomAD compares: Non-Finnish European, 0.00025%; no homozygotes.

Submission:

Labcorp Genetics (formerly Invitae), Labcorp
Classification: Uncertain significance for Immunodeficiency 132A. Last evaluated: 2024-09-15. Review status: criteria provided, single submitter. Criteria: Invitae Variant Classification Sherloc (09022015). Collection method: clinical testing. Allele origin: germline.
Comment: This sequence change falls in intron 4 of the TRAF3 gene. It does not directly change the encoded amino acid sequence of the TRAF3 protein. It affects a nucleotide within the consensus splice site. This variant is present in population databases (no rsID available, gnomAD 0.0009%). This variant has not been reported in the literature in individuals affected with TRAF3-related conditions. ClinVar contains an entry for this variant (Variation ID: 2184843). Variants that disrupt the consensus splice site are a relatively common cause of aberrant splicing (PMID: 17576681, 9536098). Algorithms developed to predict the effect of sequence changes on RNA splicing suggest that this variant is not likely to affect RNA splicing. In summary, the available evidence is currently insufficient to determine the role of this variant in disease. Therefore, it has been classified as a Variant of Uncertain Significance.

Literature cited by the submitters: PubMed 17576681; PubMed 9536098.

NM_145725.3(TRAF3):c.403-3C>T

Gene: TRAF3 (TNF receptor associated factor 3; plus strand). Cytogenetic location: 14q32.32.
Variant type: single nucleotide variant.
Coding change: c.403-3C>T on transcript NM_145725.3 (MANE Select); 3 bases into the intron before coding-DNA position 403, C replaced by T.
Molecular consequence: intron variant.
Genome position (GRCh38, 1-based): chr14:102,876,355, C>T. VCF-style: chr14-102876355-C-T. GRCh37 (hg19) VCF-style: chr14-103342692-C-T.
Other names: c.403-3C>T (NM_001385142.1, NM_145726.3, NM_001385143.1 and 2 more transcripts).
Identifiers: ClinVar variation 2184843 (VCV002184843.4), dbSNP rs1418141382, ClinGen allele CA616581914.